The following is an entry in ClinVar:

NM_000089.4(COL1A2):c.639+4_639+7del

Gene: COL1A2 (collagen type I alpha 2 chain; plus strand). Cytogenetic location: 7q21.3.
Variant type: Microsatellite.
Coding change: c.639+4_639+7del on transcript NM_000089.4 (MANE Select); bases 4 to 7 of the intron after coding-DNA position 639, 4 bases deleted (AGTA; older notation c.639+4_639+7delAGTA).
Molecular consequence: splice donor variant.
Genome position (GRCh38, 1-based): chr7:94,407,895-94,407,898, AGTA deleted; deleting any 4 consecutive bases within chr7:94,407,891-94,407,898 gives the same sequence; the c. name uses the placement nearest the transcript's 3' end. VCF-style (leftmost placement, unchanged base first): chr7-94407890-CAGTA-C. GRCh37 (hg19) VCF-style: chr7-94037202-CAGTA-C.
Identifiers: ClinVar variation 2949050 (VCV002949050.4), dbSNP rs2484705116, ClinGen allele CA2740097420.

ClinVar aggregate classification (germline): Conflicting classifications of pathogenicity. Review status: criteria provided, conflicting classifications (1 of 4 stars). 2 submissions from 2 submitters: Pathogenic (1); Uncertain significance (1). Last evaluated 2025-07-16.

Conditions:
Osteogenesis imperfecta type I (OI1). Also called: Lobstein disease; OI, TYPE I; OSTEOGENESIS IMPERFECTA TARDA; OSTEOGENESIS IMPERFECTA WITH BLUE SCLERAE; Osteogenesis imperfecta type 1; Lobstein's Disease. Identifiers: Orphanet 216796, Orphanet 666, MedGen C0023931, MONDO:0008146, OMIM 166200. Disease mechanism: loss of function.
Ehlers-Danlos syndrome, classic type, 1 (EDSCL1). Also called: EDS I; EHLERS-DANLOS SYNDROME, GRAVIS TYPE; EHLERS-DANLOS SYNDROME, SEVERE CLASSIC TYPE; Ehlers-Danlos syndrome, type 1; Ehlers-Danlos Syndrome, Classic Type, COL5A1-Related. Identifiers: MedGen C0268335, MONDO:0019567, OMIM 130000.

Submissions (2):

Clinical Biomedical Laboratory, Shriners Hospital For Children - Canada
Classification: Pathogenic for Osteogenesis imperfecta type I. Last evaluated: 2025-07-16. Review status: criteria provided, single submitter. Criteria: ACMG Guidelines, 2015. Collection method: clinical testing. Allele origin: germline. Affected: yes.
Comment: This variant affects a consensus splice site in COL1A2. Variants affecting splice sites in COL1A2 are a typical cause of osteogenesis imperfecta. This variant is absent from the Genome Aggregation Database v.2.1.1, indicating it is very rare. Prediction algorithms (SpliceAI: 1.00) indicate that the variant affects splicing.

Labcorp Genetics (formerly Invitae), Labcorp
Classification: Uncertain significance for Osteogenesis imperfecta type I; Ehlers-Danlos syndrome, classic type, 1. Last evaluated: 2023-06-20. Review status: criteria provided, single submitter. Criteria: Invitae Variant Classification Sherloc (09022015). Collection method: clinical testing. Allele origin: germline.
Comment: This sequence change falls in intron 13 of the COL1A2 gene. It does not directly change the encoded amino acid sequence of the COL1A2 protein. It affects a nucleotide within the consensus splice site. In summary, the available evidence is currently insufficient to determine the role of this variant in disease. Therefore, it has been classified as a Variant of Uncertain Significance. Variants that disrupt the consensus splice site are a relatively common cause of aberrant splicing (PMID: 17576681, 9536098). Algorithms developed to predict the effect of sequence changes on RNA splicing suggest that this variant may disrupt the consensus splice site. This variant has not been reported in the literature in individuals affected with COL1A2-related conditions. This variant is not present in population databases (gnomAD no frequency).

Literature cited by the submitters: PubMed 17576681 (cited by Labcorp Genetics (formerly Invitae), Labcorp); PubMed 9536098 (cited by Labcorp Genetics (formerly Invitae), Labcorp).